The following is an entry in ClinVar:

NM_032892.5(FRMD5):c.1575T>C (p.Ser525=)

Gene: FRMD5 (FERM domain containing 5; minus strand). Cytogenetic location: 15q15.3.
Variant type: single nucleotide variant.
Coding change: c.1575T>C on transcript NM_032892.5 (MANE Select); coding-DNA position 1575, T replaced by C.
Protein change: p.Ser525=; no amino-acid change (serine 525 retained).
Molecular consequence: synonymous variant. On other transcripts: non-coding transcript variant (1), intron variant (5).
Genome position (GRCh38, 1-based): chr15:43,874,023, A>G on the plus strand (T>C on the coding strand, the complement: FRMD5 is on the minus strand). VCF-style: chr15-43874023-A-G. GRCh37 (hg19) VCF-style: chr15-44166221-A-G.
Other names: c.873T>C, p.Ser291= (NM_001286491.2); c.1374+96T>C (NM_001322951.2); c.1479+96T>C (NM_001322949.2, NM_001411124.1); c.1480-84T>C (NM_001322950.2); c.1198-84T>C (NM_001286490.2).
Identifiers: ClinVar variation 4874151 (VCV004874151.2).

ClinVar aggregate classification (germline): Likely benign (1 of 4 stars; one submission).

gnomAD v4.1: 5 of 1,614,256 alleles (0.00031%); highest among the groups gnomAD compares: Non-Finnish European, 0.00042%; no homozygotes.

Submission:

CeGaT Center for Human Genetics Tuebingen
Classification: Likely benign. Last evaluated: 2026-05-01. Review status: criteria provided, single submitter. Criteria: CeGaT Center For Human Genetics Tuebingen Variant Classification Criteria Version 2. Collection method: clinical testing. Allele origin: germline. Affected: yes. Observed: 1 variant allele.
Comment: FRMD5: BP4, BP7